The following is an entry in ClinVar:

ClinVar aggregate classification (germline): Likely benign (1 of 4 stars; one submission).

Allele frequency attached by ClinVar (database versions not stated): gnomAD exomes 0.00023 and 0.00054; ExAC 0.00056; 1000 Genomes Project 0.00159; 1000 Genomes Project 30x 0.00187; gnomAD 0.00198 and 0.00207; TOPMed 0.00209; ESP Exome Variant Server 0.00294.
gnomAD v4.1: 474 of 1,169,688 alleles (0.041%); highest among the groups gnomAD compares: African/African-American, 0.72%; 1 homozygote.

Submission:

GeneDx
Classification: Likely benign. Last evaluated: 2021-10-28. Review status: criteria provided, single submitter. Criteria: GeneDx Variant Classification Process June 2021. Collection method: clinical testing. Allele origin: germline. Affected: yes.
Comment: See Variant Classification Assertion Criteria.

NM_001271696.3(ABCB7):c.1366-37G>A

Gene: ABCB7 (ATP binding cassette subfamily B member 7; minus strand). Cytogenetic location: Xq13.3.
Variant type: single nucleotide variant.
Coding change: c.1366-37G>A on transcript NM_001271696.3 (MANE Select); 37 bases into the intron before coding-DNA position 1366, G replaced by A.
Molecular consequence: intron variant.
Genome position (GRCh38, 1-based): chrX:75,069,491, C>T on the plus strand (G>A on the coding strand, the complement: ABCB7 is on the minus strand). VCF-style: chrX-75069491-C-T. GRCh37 (hg19) VCF-style: chrX-74289326-C-T.
Other names: c.1288-37G>A (NM_001271698.3); c.1246-37G>A (NM_001271697.3); c.1249-37G>A (NM_001271699.3); c.1369-37G>A (NM_004299.6).
Identifiers: ClinVar variation 1683841 (VCV001683841.2), dbSNP rs140207514, ClinGen allele CA10455402.